The following is an entry in ClinVar:

NM_001458.5(FLNC):c.4009A>C (p.Lys1337Gln)

Gene: FLNC (filamin C; plus strand). Cytogenetic location: 7q32.1.
Variant type: single nucleotide variant.
Coding change: c.4009A>C on transcript NM_001458.5 (MANE Select); coding-DNA position 4009, A replaced by C.
Protein change: p.Lys1337Gln; replaces lysine 1337 with glutamine.
Molecular consequence: missense variant.
Genome position (GRCh38, 1-based): chr7:128,846,345, A>C. VCF-style: chr7-128846345-A-C. GRCh37 (hg19) VCF-style: chr7-128486399-A-C.
Other names: c.4009A>C, p.Lys1337Gln (NM_001127487.2); short protein forms K1337Q.
Identifiers: ClinVar variation 501267 (VCV000501267.14), dbSNP rs1554399580, ClinGen allele CA369198929.

ClinVar aggregate classification (germline): Uncertain significance. Review status: criteria provided, multiple submitters, no conflicts (2 of 4 stars). 2 submissions from 2 submitters: Uncertain significance (2). Last evaluated 2021-03-07.

Conditions:
Distal myopathy with posterior leg and anterior hand involvement. Also called: WILLIAMS DISTAL MYOPATHY. Identifiers: Orphanet 63273, MedGen C3279722, MONDO:0013550, OMIM 614065.
Hypertrophic cardiomyopathy 26. Also called: Cardiomyopathy, familial hypertrophic, 26. Identifiers: Orphanet 75249, MedGen C4310749, MONDO:0014883, OMIM 617047.
Myofibrillar myopathy 5. Also called: FILAMINOPATHY, AUTOSOMAL DOMINANT; Filaminopathy (type). Identifiers: Orphanet 171445, MedGen C1836050, MONDO:0012289, OMIM 609524.

Allele frequency attached by ClinVar (database versions not stated): gnomAD exomes below 0.00001.
gnomAD v4.1: 3 of 1,613,728 alleles (0.00019%); highest among the groups gnomAD compares: Middle Eastern, 0.049%; no homozygotes.

Submissions (2):

Labcorp Genetics (formerly Invitae), Labcorp
Classification: Uncertain significance for Distal myopathy with posterior leg and anterior hand involvement; Myofibrillar myopathy 5; Hypertrophic cardiomyopathy 26. Last evaluated: 2021-03-07. Review status: criteria provided, single submitter. Criteria: Invitae Variant Classification Sherloc (09022015). Collection method: clinical testing. Allele origin: germline.
Comment: This sequence change replaces lysine with glutamine at codon 1337 of the FLNC protein (p.Lys1337Gln). The lysine residue is highly conserved and there is a small physicochemical difference between lysine and glutamine. This variant is not present in population databases (ExAC no frequency). This variant has not been reported in the literature in individuals with FLNC-related conditions. ClinVar contains an entry for this variant (Variation ID: 501267). Algorithms developed to predict the effect of missense changes on protein structure and function are either unavailable or do not agree on the potential impact of this missense change (SIFT: "Deleterious"; PolyPhen-2: "Possibly Damaging"; Align-GVGD: "Class C0"). In summary, the available evidence is currently insufficient to determine the role of this variant in disease. Therefore, it has been classified as a Variant of Uncertain Significance.

Eurofins Ntd Llc (ga)
Classification: Uncertain significance. Last evaluated: 2017-04-19. Review status: criteria provided, single submitter. Criteria: EGL Classification Definitions 2015. Collection method: clinical testing. Allele origin: germline. Observed: 1 variant allele, 1 heterozygote.